The following is an entry in ClinVar:

ClinVar aggregate classification (germline): Conflicting classifications of pathogenicity. Review status: criteria provided, conflicting classifications (1 of 4 stars). 4 submissions from 4 submitters: Uncertain significance (1); Likely benign (3). Last evaluated 2025-10-07.

Conditions:
Tuberous sclerosis 2 (TSC2). Identifiers: Orphanet 805, MedGen C1860707, MONDO:0013199, OMIM 613254.

gnomAD v4.1: 1 of 1,612,880 alleles (0.000062%); no homozygotes.

Submissions (4):

Labcorp Genetics (formerly Invitae), Labcorp
Classification: Likely benign for Tuberous sclerosis 2. Last evaluated: 2025-10-07. Review status: criteria provided, single submitter. Criteria: Invitae Variant Classification Sherloc (09022015). Collection method: clinical testing. Allele origin: germline.

Myriad Genetics, Inc.
Classification: Likely benign for Tuberous sclerosis 2. Last evaluated: 2025-05-27. Review status: criteria provided, single submitter. Criteria: Myriad Autosomal Dominant, Autosomal Recessive and X-Linked Classification Criteria (2023). Collection method: clinical testing. Allele origin: unknown.
Comment: This variant is considered likely benign. This variant is intronic and is not expected to impact mRNA splicing.

Genome-Nilou Lab
Classification: Likely benign for Tuberous sclerosis 2. Last evaluated: 2021-11-07. Review status: criteria provided, single submitter. Criteria: ACMG Guidelines, 2015. Collection method: clinical testing. Allele origin: germline. Affected: no.

Athena Diagnostics
Classification: Uncertain significance. Last evaluated: 2020-06-02. Review status: criteria provided, single submitter. Criteria: Athena Diagnostics Criteria. Collection method: clinical testing. Allele origin: unknown.

NM_000548.5(TSC2):c.2837+10G>T

Gene: TSC2 (TSC complex subunit 2; plus strand). Cytogenetic location: 16p13.3.
Variant type: single nucleotide variant.
Coding change: c.2837+10G>T on transcript NM_000548.5 (MANE Select); 10 bases into the intron after coding-DNA position 2837, G replaced by T.
Molecular consequence: intron variant.
Genome position (GRCh38, 1-based): chr16:2,076,595, G>T. VCF-style: chr16-2076595-G-T. GRCh37 (hg19) VCF-style: chr16-2126596-G-T.
Other names: c.2837+10G>T (NM_001114382.3, NM_021055.3, NM_001370405.1 and 3 more transcripts); c.2726+10G>T (NM_001318827.2); c.2237+10G>T (NM_001318831.2); c.2690+10G>T (NM_001318829.2); c.2870+10G>T (NM_001318832.2).
Identifiers: ClinVar variation 995054 (VCV000995054.12), dbSNP rs1232454175, ClinGen allele CA718907520.
Genomic context (GRCh38, chr16:2,076,595, plus strand): 5'-GAAGGACAGCTTCAGGGCCCGGAGTACTAGTCTCAACGAGAGACCCAAGAGGTACGGCCT[G>T]CGGGGGTGTGCCTGGAGTCGGTGTGGGGTGGGGAAGGACATGGGGCTGTGGCCTGCCTGA-3'